The following is an entry in ClinVar:

ClinVar aggregate classification (germline): Uncertain significance. Review status: criteria provided, multiple submitters, no conflicts (2 of 4 stars). 4 submissions from 4 submitters: Uncertain significance (4). Last evaluated 2025-09-28.

Conditions:
Hereditary cancer-predisposing syndrome. Also called: Neoplastic Syndromes, Hereditary; Tumor predisposition; Hereditary neoplastic syndrome; Hereditary Cancer Syndrome. Identifiers: Orphanet 140162, MedGen C0027672, MeSH D009386, MONDO:0015356.
Familial adenomatous polyposis 1 (FAP1). Also called: POLYPOSIS, ADENOMATOUS INTESTINAL; FAMILIAL ADENOMATOUS POLYPOSIS 1, ATTENUATED. Identifiers: MedGen C2713442, MONDO:0021056, OMIM 175100. Disease mechanism: loss of function.

Allele frequency attached by ClinVar (database versions not stated): gnomAD exomes below 0.00001; TOPMed below 0.00001; gnomAD 0.00001.
gnomAD v4.1: 2 of 1,614,000 alleles (0.00012%); highest among the groups gnomAD compares: African/African-American, 0.0013%; no homozygotes.

Submissions (4):

Labcorp Genetics (formerly Invitae), Labcorp
Classification: Uncertain significance for Familial adenomatous polyposis 1. Last evaluated: 2025-09-28. Review status: criteria provided, single submitter. Criteria: Invitae Variant Classification Sherloc (09022015). Collection method: clinical testing. Allele origin: germline.
Comment: This sequence change replaces arginine, which is basic and polar, with glycine, which is neutral and non-polar, at codon 1435 of the APC protein (p.Arg1435Gly). This variant is not present in population databases (gnomAD no frequency). This variant has not been reported in the literature in individuals affected with APC-related conditions. ClinVar contains an entry for this variant (Variation ID: 824775). Invitae Evidence Modeling of protein sequence and biophysical properties (such as structural, functional, and spatial information, amino acid conservation, physicochemical variation, residue mobility, and thermodynamic stability) indicates that this missense variant is not expected to disrupt APC protein function with a negative predictive value of 95%. In summary, the available evidence is currently insufficient to determine the role of this variant in disease. Therefore, it has been classified as a Variant of Uncertain Significance.

Ambry Genetics
Classification: Uncertain significance for Hereditary cancer-predisposing syndrome. Last evaluated: 2025-04-17. Review status: criteria provided, single submitter. Criteria: Ambry Variant Classification Scheme 2023. Collection method: clinical testing. Allele origin: germline.
Comment: The p.R1435G variant (also known as c.4303A>G), located in coding exon 15 of the APC gene, results from an A to G substitution at nucleotide position 4303. The arginine at codon 1435 is replaced by glycine, an amino acid with dissimilar properties. This amino acid position is highly conserved in available vertebrate species. In addition, in silico predictors for this gene do not accurately predict pathogenicity. Since supporting evidence is limited at this time, the clinical significance of this alteration remains unclear.

GeneDx
Classification: Uncertain significance. Last evaluated: 2023-11-08. Review status: criteria provided, single submitter. Criteria: GeneDx Variant Classification Process June 2021. Collection method: clinical testing. Allele origin: germline. Affected: yes.
Comment: Not observed at significant frequency in large population cohorts (gnomAD); In silico analysis supports that this missense variant has a deleterious effect on protein structure/function; Has not been previously published as pathogenic or benign to our knowledge; This variant is associated with the following publications: (PMID: 18199528)

Baylor Genetics
Classification: Uncertain significance for Familial adenomatous polyposis 1. Last evaluated: 2023-07-12. Review status: criteria provided, single submitter. Criteria: ACMG Guidelines, 2015. Collection method: clinical testing. Allele origin: unknown.

NM_000038.6(APC):c.4303A>G (p.Arg1435Gly)

Gene: APC (APC regulator of Wnt signaling pathway; plus strand). Cytogenetic location: 5q22.2.
Variant type: single nucleotide variant.
Coding change: c.4303A>G on transcript NM_000038.6 (MANE Select); coding-DNA position 4303, A replaced by G.
Protein change: p.Arg1435Gly; replaces arginine 1435 with glycine.
Molecular consequence: missense variant.
Genome position (GRCh38, 1-based): chr5:112,839,897, A>G. VCF-style: chr5-112839897-A-G. GRCh37 (hg19) VCF-style: chr5-112175594-A-G.
Other names: c.4303A>G, p.Arg1435Gly (NM_001127510.3, NM_001354895.2); c.4249A>G, p.Arg1417Gly (NM_001127511.3); c.4357A>G, p.Arg1453Gly (NM_001354896.2); c.4333A>G, p.Arg1445Gly (NM_001354897.2); c.4228A>G, p.Arg1410Gly (NM_001354898.2); c.4219A>G, p.Arg1407Gly (NM_001354899.2); c.4180A>G, p.Arg1394Gly (NM_001354900.2); c.4126A>G, p.Arg1376Gly (NM_001354901.2); and 5 more; short protein forms R1275G, R1376G, R1344G, R1435G, R1152G, R1309G, R1334G, R1407G.
Identifiers: ClinVar variation 824775 (VCV000824775.13), dbSNP rs1454804146, ClinGen allele CA16030761.